The following is an entry in ClinVar:

ClinVar aggregate classification (germline): Pathogenic. Review status: reviewed by expert panel (3 of 4 stars). 4 submissions from 4 submitters: Pathogenic (1). 3 of the submissions do not count toward it. Last evaluated 2025-12-05.

Conditions:
ABCA4-related retinopathy. Also called: ABCA4 retinoapthy; ABCA4-related retinoapthy. Identifiers: MedGen CN322612, MONDO:0800406.
ABCA4-related disorder. Also called: ABCA4-related disorders; ABCA4-related condition. Identifiers: MedGen CN239167.

Allele frequency attached by ClinVar (database versions not stated): TOPMed 0.00001.
gnomAD v4.1: 10 of 1,614,076 alleles (0.00062%); highest among the groups gnomAD compares: Non-Finnish European, 0.00085%; no homozygotes.

Submissions (4):

ClinGen ABCA4 Variant Curation Expert Panel, Clingen
Classification: Pathogenic for ABCA4-related retinopathy. Last evaluated: 2025-12-05. Review status: reviewed by expert panel. Criteria: ClinGen ABCA4 ACMG Specifications V1.0.0. Collection method: curation. Allele origin: germline. Inheritance: Autosomal recessive inheritance.
Comment: The NM_000350.3(ABCA4):c.6416G>C variant in ABCA4 is a missense variant predicted to cause substitution of arginine by proline at amino acid 2139 (p.Arg2139Pro). The total minor allele frequency in gnomAD v4.1.0 is 0.000006195 (10/1614076 alleles), which is lower than the ClinGen ABCA4 VCEP’s threshold for PM2_Supporting (<0.0001). The computational predictor REVEL gives a score of 0.997 which is above the threshold of >0.772, evidence that predicts a damaging effect on ABCA4 function (PP3_Moderate). The prevalence of the variant in affected individuals is significantly increased compared with the prevalence in controls with an OR is infinity and the CI is 2.24-infinity, which is above the ABCA4 VCEP threshold of ≥5, where the CI does not contain 1 (PS4; PMID: 35120629). This variant has been detected in at least 1 individual with ABCA4-related retinopathy who was compound heterozygous for the variant and a pathogenic variant (c.2588G>C; p.Gly863Ala) which was confirmed in trans by parental/family testing (PMID: 28559085; PM3). The variant has been reported to segregate with ABCA4-related retinopathy in the proband and 1 similarly affected relative (PP1; PMID: 25472526). Another missense variant, c.6415C>T (p.Arg2139Trp), in the same codon has been classified as pathogenic for ABCA4-related retinopathy by the ClinGen ABCA4 VCEP, and Splice AI revealed no expected effects on splicing (PM5). In summary, this variant meets the criteria to be classified as pathogenic for ABCA4-related retinopathy based on the ACMG/AMP criteria applied, as specified by the ClinGen ABCA4 VCEP (Specification Version 1): PS4, PM3, PP1, PM2_Supporting, PP3_Moderate, PM5.

Labcorp Genetics (formerly Invitae), Labcorp
Classification: Pathogenic. Last evaluated: 2024-11-11. Review status: criteria provided, single submitter. Criteria: Invitae Variant Classification Sherloc (09022015). Collection method: clinical testing. Allele origin: germline. Not counted in ClinVar's aggregate classification.
Comment: This sequence change replaces arginine, which is basic and polar, with proline, which is neutral and non-polar, at codon 2139 of the ABCA4 protein (p.Arg2139Pro). This variant is not present in population databases (gnomAD no frequency). This missense change has been observed in individual(s) with clinical features of inherited retinal dystrophy (PMID: 25472526, 28559085; internal data). In at least one individual the data is consistent with being in trans (on the opposite chromosome) from a pathogenic variant. ClinVar contains an entry for this variant (Variation ID: 298222). Invitae Evidence Modeling of protein sequence and biophysical properties (such as structural, functional, and spatial information, amino acid conservation, physicochemical variation, residue mobility, and thermodynamic stability) indicates that this missense variant is expected to disrupt ABCA4 protein function with a positive predictive value of 95%. This variant disrupts the p.Arg2139 amino acid residue in ABCA4. Other variant(s) that disrupt this residue have been determined to be pathogenic (internal data). This suggests that this residue is clinically significant, and that variants that disrupt this residue are likely to be disease-causing. For these reasons, this variant has been classified as Pathogenic.

Blueprint Genetics
Classification: Likely pathogenic for ABCA4-related disorders. Last evaluated: 2023-03-10. Review status: criteria provided, single submitter. Criteria: ACMG Guidelines, 2015. Collection method: clinical testing. Allele origin: germline. Affected: yes. Observed: 5 variant alleles. Not counted in ClinVar's aggregate classification.

Illumina Laboratory Services, Illumina
Classification: Uncertain significance for ABCA4-Related Disorders. Last evaluated: 2018-01-13. Review status: criteria provided, single submitter. Criteria: ICSL Variant Classification Criteria 13 December 2019. Collection method: clinical testing. Allele origin: germline. Not counted in ClinVar's aggregate classification.

Literature cited by the submitters: PubMed 25472526 (cited by Labcorp Genetics (formerly Invitae), Labcorp); PubMed 28559085 (cited by Labcorp Genetics (formerly Invitae), Labcorp).

NM_000350.3(ABCA4):c.6416G>C (p.Arg2139Pro)

Gene: ABCA4 (ATP binding cassette subfamily A member 4; minus strand). Cytogenetic location: 1p22.1.
Variant type: single nucleotide variant.
Coding change: c.6416G>C on transcript NM_000350.3 (MANE Select); coding-DNA position 6416, G replaced by C.
Protein change: p.Arg2139Pro; replaces arginine 2139 with proline.
Molecular consequence: missense variant.
Genome position (GRCh38, 1-based): chr1:94,000,899, C>G on the plus strand (G>C on the coding strand, the complement: ABCA4 is on the minus strand). VCF-style: chr1-94000899-C-G. GRCh37 (hg19) VCF-style: chr1-94466455-C-G.
Other names: NM_000350.3(ABCA4):c.6416G>C; p.Arg2139Pro; c.6194G>C, p.Arg2065Pro (NM_001425324.1); short protein forms R2139P, R2065P.
Identifiers: ClinVar variation 298222 (VCV000298222.15), dbSNP rs761867791, ClinGen allele CA10611614.